The following is an entry in ClinVar:

NM_016239.4(MYO15A):c.1688G>T (p.Arg563Leu)

Gene: MYO15A (myosin XVA; plus strand). Cytogenetic location: 17p11.2.
Variant type: single nucleotide variant.
Coding change: c.1688G>T on transcript NM_016239.4 (MANE Select); coding-DNA position 1688, G replaced by T.
Protein change: p.Arg563Leu; replaces arginine 563 with leucine.
Molecular consequence: missense variant.
Genome position (GRCh38, 1-based): chr17:18,120,488, G>T. VCF-style: chr17-18120488-G-T. GRCh37 (hg19) VCF-style: chr17-18023802-G-T.
Other names: short protein forms R563L.
Identifiers: ClinVar variation 888949 (VCV000888949.5), dbSNP rs766250103, ClinGen allele CA8423157.
Genomic context (GRCh38, chr17:18,120,488, plus strand): 5'-AGCGCGCGCTGTCGGCCTTCGGCGCCCACCGGGGCCTGGGCTTCGGCCCTGAGTTTGGCC[G>T]CCCCGTGCCTCGCCCTGCCACCTCGCTTGCGCGGTTCCTCAAGAAGACGCTGTCGGAGAA-3'
Protein context (NP_057323.3, residues 553-573): RGLGFGPEFG[Arg563Leu]PVPRPATSLA

ClinVar aggregate classification (germline): Uncertain significance. Review status: criteria provided, multiple submitters, no conflicts (2 of 4 stars). 2 submissions from 2 submitters: Uncertain significance (2). Last evaluated 2023-10-13.

Conditions:
Autosomal recessive nonsyndromic hearing loss 3. Also called: NEUROSENSORY NONSYNDROMIC RECESSIVE DEAFNESS 3. Identifiers: Orphanet 90636, MedGen C1838263, MONDO:0010860, OMIM 600316.

Allele frequency attached by ClinVar (database versions not stated): TOPMed 0.00003; gnomAD exomes 0.00001; ExAC 0.00003; gnomAD 0.00003.
gnomAD v4.1: 15 of 1,572,898 alleles (0.00095%); highest among the groups gnomAD compares: East Asian, 0.021%; no homozygotes.

Submissions (2):

GeneDx
Classification: Uncertain significance. Last evaluated: 2023-10-13. Review status: criteria provided, single submitter. Criteria: GeneDx Variant Classification Process June 2021. Collection method: clinical testing. Allele origin: germline. Affected: yes.
Comment: In silico analysis supports that this missense variant does not alter protein structure/function; Has not been previously published as pathogenic or benign to our knowledge

Illumina Laboratory Services, Illumina
Classification: Uncertain significance for Autosomal recessive nonsyndromic hearing loss 3. Last evaluated: 2018-03-23. Review status: criteria provided, single submitter. Criteria: ICSL Variant Classification Criteria 13 December 2019. Collection method: clinical testing. Allele origin: germline.